The following is an entry in ClinVar:

ClinVar aggregate classification (germline): Likely benign. Review status: criteria provided, multiple submitters, no conflicts (2 of 4 stars). 4 submissions from 4 submitters: Likely benign (3). 1 of the submissions does not count toward it. Last evaluated 2026-01-01.

Conditions:
REST-related disorder. Also called: REST-related condition.

Allele frequency attached by ClinVar (database versions not stated): gnomAD 0.00001 and 0.00006; TOPMed 0.00002; 1000 Genomes Project 0.00020; 1000 Genomes Project 30x 0.00031; gnomAD exomes 0.00036.
gnomAD v4.1: 256 of 1,612,086 alleles (0.016%); highest among the groups gnomAD compares: South Asian, 0.26%; 4 homozygotes.

Submissions (4):

CeGaT Center for Human Genetics Tuebingen
Classification: Likely benign. Last evaluated: 2026-01-01. Review status: criteria provided, single submitter. Criteria: CeGaT Center For Human Genetics Tuebingen Variant Classification Criteria Version 2. Collection method: clinical testing. Allele origin: germline. Affected: yes. Observed: 1 variant allele.
Comment: REST: BP4, BS1

Labcorp Genetics (formerly Invitae), Labcorp
Classification: Likely benign. Last evaluated: 2025-11-10. Review status: criteria provided, single submitter. Criteria: Invitae Variant Classification Sherloc (09022015). Collection method: clinical testing. Allele origin: germline.

Blueprint Genetics
Classification: Likely benign. Last evaluated: 2024-02-22. Review status: criteria provided, single submitter. Criteria: ACMG Guidelines, 2015. Collection method: clinical testing. Allele origin: germline.

PreventionGenetics, part of Exact Sciences
Classification: Likely benign for REST-related condition. Last evaluated: 2022-09-23. Review status: no assertion criteria provided. Collection method: clinical testing. Allele origin: germline. Not counted in ClinVar's aggregate classification.
Comment: This variant is classified as likely benign based on ACMG/AMP sequence variant interpretation guidelines (Richards et al. 2015 PMID: 25741868, with internal and published modifications).

NM_005612.5(REST):c.1706A>T (p.Lys569Ile)

Gene: REST (RE1 silencing transcription factor; plus strand). Cytogenetic location: 4q12.
Variant type: single nucleotide variant.
Coding change: c.1706A>T on transcript NM_005612.5 (MANE Select); coding-DNA position 1706, A replaced by T.
Protein change: p.Lys569Ile; replaces lysine 569 with isoleucine.
Molecular consequence: missense variant.
Genome position (GRCh38, 1-based): chr4:56,930,564, A>T. VCF-style: chr4-56930564-A-T. GRCh37 (hg19) VCF-style: chr4-57796730-A-T.
Other names: c.1706A>T, p.Lys569Ile (NM_001193508.2, NM_001363453.3); short protein forms K569I.
Identifiers: ClinVar variation 1591842 (VCV001591842.15), dbSNP rs541994823, ClinGen allele CA2932308.